The following is an entry in ClinVar:

ClinVar aggregate classification (germline): Uncertain significance (1 of 4 stars; one submission).

Submission:

Labcorp Genetics (formerly Invitae), Labcorp
Classification: Uncertain significance. Last evaluated: 2023-02-06. Review status: criteria provided, single submitter. Criteria: Invitae Variant Classification Sherloc (09022015). Collection method: clinical testing. Allele origin: germline.
Comment: This variant is not present in population databases (gnomAD no frequency). This sequence change replaces aspartic acid, which is acidic and polar, with valine, which is neutral and non-polar, at codon 437 of the COMP protein (p.Asp437Val). This variant has not been reported in the literature in individuals affected with COMP-related conditions. Algorithms developed to predict the effect of missense changes on protein structure and function (SIFT, PolyPhen-2, Align-GVGD) all suggest that this variant is likely to be disruptive. This variant disrupts the p.Asp437 amino acid residue in COMP. Other variant(s) that disrupt this residue have been observed in individuals with COMP-related conditions (PMID: 10405447, 34750995), which suggests that this may be a clinically significant amino acid residue. In summary, the available evidence is currently insufficient to determine the role of this variant in disease. Therefore, it has been classified as a Variant of Uncertain Significance.

Literature cited by the submitters: PubMed 10405447; PubMed 34750995.

NM_000095.3(COMP):c.1310A>T (p.Asp437Val)

Gene: COMP (cartilage oligomeric matrix protein; minus strand). Cytogenetic location: 19p13.11.
Variant type: single nucleotide variant.
Coding change: c.1310A>T on transcript NM_000095.3 (MANE Select); coding-DNA position 1310, A replaced by T.
Protein change: p.Asp437Val; replaces aspartic acid 437 with valine.
Molecular consequence: missense variant.
Genome position (GRCh38, 1-based): chr19:18,786,144, T>A on the plus strand (A>T on the coding strand, the complement: COMP is on the minus strand). VCF-style: chr19-18786144-T-A. GRCh37 (hg19) VCF-style: chr19-18896954-T-A.
Other names: short protein forms D437V.
Identifiers: ClinVar variation 2835041 (VCV002835041.3), dbSNP rs2512847675, ClinGen allele CA404885355.